The following is an entry in ClinVar:

NM_000748.3(CHRNB2):c.321C>T (p.Leu107=)

Gene: CHRNB2 (cholinergic receptor nicotinic beta 2 subunit; plus strand). Cytogenetic location: 1q21.3.
Variant type: single nucleotide variant.
Coding change: c.321C>T on transcript NM_000748.3 (MANE Select); coding-DNA position 321, C replaced by T.
Protein change: p.Leu107=; no amino-acid change (leucine 107 retained).
Molecular consequence: synonymous variant.
Genome position (GRCh38, 1-based): chr1:154,570,323, C>T. VCF-style: chr1-154570323-C-T. GRCh37 (hg19) VCF-style: chr1-154542799-C-T.
Identifiers: ClinVar variation 2913124 (VCV002913124.5), dbSNP rs375527798, ClinGen allele CA420970101.

ClinVar aggregate classification (germline): Likely benign. Review status: criteria provided, multiple submitters, no conflicts (2 of 4 stars). 2 submissions from 2 submitters: Likely benign (2). Last evaluated 2026-05-01.

Conditions:
Familial sleep-related hypermotor epilepsy. Also called: Autosomal Dominant Sleep-Related Hypermotor (Hyperkinetic) Epilepsy. Identifiers: Orphanet 98784, MedGen C3696898, MONDO:0000030.

Allele frequency attached by ClinVar (database versions not stated): gnomAD exomes below 0.00001.
gnomAD v4.1: 2 of 1,612,462 alleles (0.00012%); highest among the groups gnomAD compares: Admixed American, 0.0033%; no homozygotes.

Submissions (2):

CeGaT Center for Human Genetics Tuebingen
Classification: Likely benign. Last evaluated: 2026-05-01. Review status: criteria provided, single submitter. Criteria: CeGaT Center For Human Genetics Tuebingen Variant Classification Criteria Version 2. Collection method: clinical testing. Allele origin: germline. Affected: yes. Observed: 1 variant allele.
Comment: CHRNB2: BP4, BP7

Labcorp Genetics (formerly Invitae), Labcorp
Classification: Likely benign. Last evaluated: 2025-12-01. Review status: criteria provided, single submitter. Criteria: Invitae Variant Classification Sherloc (09022015). Collection method: clinical testing. Allele origin: germline.